The following is an entry in ClinVar:

ClinVar aggregate classification (germline): Uncertain significance (1 of 4 stars; one submission).

Conditions:
Neurofibromatosis, type 1 (NF1). Also called: NEUROFIBROMATOSIS, TYPE I, SOMATIC; VON RECKLINGHAUSEN DISEASE; Peripheral type neurofibromatosis; Neurofibromatosis, type I. Identifiers: Orphanet 636, MedGen C0027831, MONDO:0018975, OMIM 162200. Disease mechanism: loss of function.

Submission:

Labcorp Genetics (formerly Invitae), Labcorp
Classification: Uncertain significance for Neurofibromatosis, type 1. Last evaluated: 2025-06-23. Review status: criteria provided, single submitter. Criteria: Invitae Variant Classification Sherloc (09022015). Collection method: clinical testing. Allele origin: germline.
Comment: This sequence change replaces isoleucine, which is neutral and non-polar, with threonine, which is neutral and polar, at codon 1767 of the NF1 protein (p.Ile1767Thr). This variant is not present in population databases (gnomAD no frequency). This variant has not been reported in the literature in individuals affected with NF1-related conditions. ClinVar contains an entry for this variant (Variation ID: 1037462). Invitae Evidence Modeling of protein sequence and biophysical properties (such as structural, functional, and spatial information, amino acid conservation, physicochemical variation, residue mobility, and thermodynamic stability) indicates that this missense variant is expected to disrupt NF1 protein function with a positive predictive value of 95%. In summary, the available evidence is currently insufficient to determine the role of this variant in disease. Therefore, it has been classified as a Variant of Uncertain Significance.

NM_001042492.3(NF1):c.5363T>C (p.Ile1788Thr)

Gene: NF1 (neurofibromin 1; plus strand). Cytogenetic location: 17q11.2.
Variant type: single nucleotide variant.
Coding change: c.5363T>C on transcript NM_001042492.3 (MANE Select); coding-DNA position 5363, T replaced by C.
Protein change: p.Ile1788Thr; replaces isoleucine 1788 with threonine.
Molecular consequence: missense variant.
Genome position (GRCh38, 1-based): chr17:31,327,593, T>C. VCF-style: chr17-31327593-T-C. GRCh37 (hg19) VCF-style: chr17-29654611-T-C.
Other names: c.5300T>C, p.Ile1767Thr (NM_000267.4); short protein forms I1767T, I1788T.
Identifiers: ClinVar variation 1037462 (VCV001037462.5), dbSNP rs2069378120, ClinGen allele CA399009269.
Genomic context (GRCh38, chr17:31,327,593, plus strand): 5'-AGCGAACAAAAGTCCTAGGGCAATCAGTCTTTCTAAATGACATTTATTATGCTTCGGAAA[T>C]TGAAGAAATCTGCCTAGTAGATGAGAACCAGTTCACCTTAACCATTGCAAACCAGGGCAC-3'
Protein context (NP_001035957.1, residues 1778-1798): FLNDIYYASE[Ile1788Thr]EEICLVDENQ